The following is an entry in ClinVar:

NC_012920.1(MT-ND6):m.14153T>C

Gene: MT-ND6 (mitochondrially encoded NADH dehydrogenase 6; minus strand).
Variant type: single nucleotide variant.
Genome position: chrM-14153-T-C.
Identifiers: ClinVar variation 693678 (VCV000693678.2), dbSNP rs1603224565, ClinGen allele CA414821148.

ClinVar aggregate classification (germline): Benign/Likely benign. Review status: criteria provided, multiple submitters, no conflicts (2 of 4 stars). 2 submissions from 2 submitters: Benign (1); Likely benign (1). Last evaluated 2025-02-16.

Conditions:
Leigh syndrome (NULS). Also called: Leigh's necrotizing encephalopathy; Leigh's disease; Leigh's syndrome; LEIGH SYNDROME, NUCLEAR; Leigh Syndrome (mtDNA deletion); Leigh Disease. Identifiers: Orphanet 506, MedGen C2931891, MONDO:0009723, OMIM 256000.

Submissions (2):

Laboratory of Genetics, Children's Clinical University Hospital Latvia
Classification: Benign. Last evaluated: 2025-02-16. Review status: criteria provided, single submitter. Criteria: ACMG Guidelines, 2015. Collection method: clinical testing. Allele origin: germline. Affected: yes.

Wong Mito Lab, Molecular and Human Genetics, Baylor College of Medicine
Classification: Likely benign for Leigh syndrome. Last evaluated: 2019-10-17. Review status: criteria provided, single submitter. Criteria: Modified ACMG Guidelines (Unpublished). Collection method: clinical testing. Allele origin: germline.
Comment: The NC_012920.1:m.14153T>C (YP_003024037.1:p.Asn174Ser) variant in MTND6 gene is interpretated to be a Likely Benign variant based on the modified ACMG guidelines (unpublished). This variant meets the following evidence codes: BS1, BP6